The following is an entry in ClinVar:

ClinVar aggregate classification (germline): Uncertain significance (1 of 4 stars; one submission).

Submission:

Laboratory for Molecular Medicine, Mass General Brigham Personalized Medicine
Classification: Uncertain significance. Last evaluated: 2015-03-02. Review status: criteria provided, single submitter. Criteria: LMM Criteria. Collection method: clinical testing. Allele origin: germline. Observed: 1 variant allele.
Comment: Variant classified as Uncertain Significance - Favor Benign. The c.230-9delT var iant in ILDR1 has not been previously reported in individuals with hearing loss and was absent from large population studies. This variant is located in the 3' splice region, however it does not alter the splice site consensus sequence and computational tools do not suggest an impact to splicing. However, this informat ion is not predictive enough to rule out pathogenicity. In summary, while the cl inical significance of c.230-9delT variant is uncertain, these data suggest that it is more likely to be benign.

NM_001199799.2(ILDR1):c.230-9del

Gene: ILDR1 (immunoglobulin like domain containing receptor 1; minus strand). Cytogenetic location: 3q13.33.
Variant type: Deletion.
Coding change: c.230-9del on transcript NM_001199799.2 (MANE Select); 9 bases into the intron before coding-DNA position 230, one base deleted (T; older notation c.230-9delT).
Molecular consequence: intron variant.
Genome position (GRCh38, 1-based): chr3:122,005,402, A deleted on the plus strand (T on the coding strand, the reverse complement: ILDR1 is on the minus strand). VCF-style (leftmost placement, unchanged base first): chr3-122005401-GA-G. GRCh37 (hg19) VCF-style: chr3-121724248-GA-G.
Other names: c.230-9del (NM_001199800.2, NM_175924.4).
Identifiers: ClinVar variation 228747 (VCV000228747.4), dbSNP rs876657832, ClinGen allele CA10576598.